The following is an entry in ClinVar:

NM_000531.6(OTC):c.547T>G (p.Tyr183Asp)

Gene: OTC (ornithine transcarbamylase; plus strand). Cytogenetic location: Xp11.4.
Variant type: single nucleotide variant.
Coding change: c.547T>G on transcript NM_000531.6 (MANE Select); coding-DNA position 547, T replaced by G.
Protein change: p.Tyr183Asp; replaces tyrosine 183 with aspartic acid.
Molecular consequence: missense variant.
Genome position (GRCh38, 1-based): chrX:38,403,624, T>G. VCF-style: chrX-38403624-T-G. GRCh37 (hg19) VCF-style: chrX-38262877-T-G.
Other names: short protein forms Y183D.
Identifiers: ClinVar variation 97246 (VCV000097246.2), dbSNP rs72556292, ClinGen allele CA224678.

ClinVar aggregate classification (germline): Pathogenic (0 of 4 stars; one submission).

Submission:

GenMed Metabolism Lab
Classification: Pathogenic. Review status: no assertion criteria provided. Collection method: not provided. Allele origin: unknown.
ClinVar note: Converted during submission from pathogenic to Pathogenic.